The following is an entry in ClinVar:

NM_199355.4(ADAMTS18):c.1810A>G (p.Thr604Ala)

Gene: ADAMTS18 (ADAM metallopeptidase with thrombospondin type 1 motif 18; minus strand). Cytogenetic location: 16q23.1.
Variant type: single nucleotide variant.
Coding change: c.1810A>G on transcript NM_199355.4 (MANE Select); coding-DNA position 1810, A replaced by G.
Protein change: p.Thr604Ala; replaces threonine 604 with alanine.
Molecular consequence: missense variant.
Genome position (GRCh38, 1-based): chr16:77,335,805, T>C on the plus strand (A>G on the coding strand, the complement: ADAMTS18 is on the minus strand). VCF-style: chr16-77335805-T-C. GRCh37 (hg19) VCF-style: chr16-77369702-T-C.
Other names: c.1294A>G, p.Thr432Ala (NM_001326358.2); short protein forms T604A, T432A.
Identifiers: ClinVar variation 943675 (VCV000943675.8), dbSNP rs1418968274, ClinGen allele CA396831977.

ClinVar aggregate classification (germline): Uncertain significance (1 of 4 stars; one submission).

gnomAD v4.1: 1 of 1,614,204 alleles (0.000062%); no homozygotes.

Submission:

Labcorp Genetics (formerly Invitae), Labcorp
Classification: Uncertain significance. Last evaluated: 2024-12-09. Review status: criteria provided, single submitter. Criteria: Invitae Variant Classification Sherloc (09022015). Collection method: clinical testing. Allele origin: germline.
Comment: This sequence change replaces threonine, which is neutral and polar, with alanine, which is neutral and non-polar, at codon 604 of the ADAMTS18 protein (p.Thr604Ala). This variant is not present in population databases (gnomAD no frequency). This variant has not been reported in the literature in individuals affected with ADAMTS18-related conditions. ClinVar contains an entry for this variant (Variation ID: 943675). An algorithm developed to predict the effect of missense changes on protein structure and function (PolyPhen-2) suggests that this variant is likely to be disruptive. In summary, the available evidence is currently insufficient to determine the role of this variant in disease. Therefore, it has been classified as a Variant of Uncertain Significance.